The following is an entry in ClinVar:

ClinVar aggregate classification (germline): Likely benign. Review status: criteria provided, multiple submitters, no conflicts (2 of 4 stars). 4 submissions from 4 submitters: Likely benign (3). 1 of the submissions does not count toward it. Last evaluated 2025-08-06.

Conditions:
Epidermolysis bullosa simplex with nail dystrophy (EBS5D). Identifiers: MedGen C4225309, MONDO:0014661, OMIM 616487.
Epidermolysis bullosa simplex, Ogna type (EBS5A). Also called: Pidermolysis bullosa simplex 5A, Ogna type; EPIDERMOLYSIS BULLOSA SIMPLEX 5A, OGNA TYPE. Identifiers: Orphanet 79401, MedGen C0432317, MONDO:0007555, OMIM 131950.
Epidermolysis bullosa simplex 5B, with muscular dystrophy (EBS5B). Also called: EPIDERMOLYSIS BULLOSA SIMPLEX AND LIMB-GIRDLE MUSCULAR DYSTROPHY; Epidermolysis bullosa simplex with muscular dystrophy. Identifiers: Orphanet 257, MedGen C2931072, MONDO:0009181, OMIM 226670.
Epidermolysis bullosa simplex 5C, with pyloric atresia (EBS5C). Also called: PLEC-Related Epidermolysis Bullosa with Pyloric Atresia; Epidermolysis bullosa simplex with pyloric atresia; PLEC1-Related Epidermolysis Bullosa with Pyloric Atresia. Identifiers: Orphanet 158684, MedGen C2677349, MONDO:0012807, OMIM 612138.
Autosomal recessive limb-girdle muscular dystrophy type 2Q (LGMDR17). Also called: MUSCULAR DYSTROPHY, LIMB-GIRDLE, AUTOSOMAL RECESSIVE 17. Identifiers: Orphanet 254361, MedGen C3150989, MONDO:0013390, OMIM 613723.
PLEC-related disorder. Also called: PLEC-related condition; PLEC-related disorders.

Allele frequency attached by ClinVar (database versions not stated): gnomAD 0.00002; TOPMed 0.00002; gnomAD exomes 0.00003 and 0.00005; ExAC 0.00004.

Submissions (4):

Labcorp Genetics (formerly Invitae), Labcorp
Classification: Likely benign for Autosomal recessive limb-girdle muscular dystrophy type 2Q; Epidermolysis bullosa simplex, Ogna type; Epidermolysis bullosa simplex with nail dystrophy; Epidermolysis bullosa simplex 5C, with pyloric atresia; Epidermolysis bullosa simplex 5B, with muscular dystrophy. Last evaluated: 2025-08-06. Review status: criteria provided, single submitter. Criteria: Invitae Variant Classification Sherloc (09022015). Collection method: clinical testing. Allele origin: germline.

Athena Diagnostics
Classification: Likely benign. Last evaluated: 2021-05-18. Review status: criteria provided, single submitter. Criteria: Athena Diagnostics criteria. Collection method: clinical testing. Allele origin: unknown.

GeneDx
Classification: Likely benign. Last evaluated: 2016-09-05. Review status: criteria provided, single submitter. Criteria: GeneDx Variant Classification (06012015). Collection method: clinical testing. Allele origin: germline. Affected: yes.
Comment: This variant is considered likely benign or benign based on one or more of the following criteria: it is a conservative change, it occurs at a poorly conserved position in the protein, it is predicted to be benign by multiple in silico algorithms, and/or has population frequency not consistent with disease.

PreventionGenetics, part of Exact Sciences
Classification: Likely benign for PLEC-related condition. Last evaluated: 2019-06-28. Review status: no assertion criteria provided. Collection method: clinical testing. Allele origin: germline. Not counted in ClinVar's aggregate classification.
Comment: This variant is classified as likely benign based on ACMG/AMP sequence variant interpretation guidelines (Richards et al. 2015 PMID: 25741868, with internal and published modifications).

NM_201384.3(PLEC):c.2547C>T (p.Ala849=)

Gene: PLEC (plectin; minus strand). Cytogenetic location: 8q24.3.
Variant type: single nucleotide variant.
Coding change: c.2547C>T on transcript NM_201384.3 (MANE Select); coding-DNA position 2547, C replaced by T.
Protein change: p.Ala849=; no amino-acid change (alanine 849 retained).
Molecular consequence: synonymous variant.
Genome position (GRCh38, 1-based): chr8:143,930,209, G>A on the plus strand (C>T on the coding strand, the complement: PLEC is on the minus strand). VCF-style: chr8-143930209-G-A. GRCh37 (hg19) VCF-style: chr8-145004377-G-A.
Other names: c.2628C>T, p.Ala876= (NM_000445.5); c.2505C>T, p.Ala835= (NM_201378.4); c.2481C>T, p.Ala827= (NM_201379.3); c.2958C>T, p.Ala986= (NM_201380.4); c.2451C>T, p.Ala817= (NM_201381.3); c.2547C>T, p.Ala849= (NM_201382.4); c.2559C>T, p.Ala853= (NM_201383.3); c.2628C>T (NM_000445.4).
Identifiers: ClinVar variation 384503 (VCV000384503.12), dbSNP rs770364460, ClinGen allele CA4927480.